The following is an entry in ClinVar:

NM_004006.3(DMD):c.2654C>T (p.Pro885Leu)

Gene: DMD (dystrophin; minus strand). Cytogenetic location: Xp21.1.
Variant type: single nucleotide variant.
Coding change: c.2654C>T on transcript NM_004006.3 (MANE Select); coding-DNA position 2654, C replaced by T.
Protein change: p.Pro885Leu; replaces proline 885 with leucine.
Molecular consequence: missense variant.
Genome position (GRCh38, 1-based): chrX:32,485,068, G>A on the plus strand (C>T on the coding strand, the complement: DMD is on the minus strand). VCF-style: chrX-32485068-G-A. GRCh37 (hg19) VCF-style: chrX-32503185-G-A.
Other names: c.2654C>T (NM_004006.2); c.2630C>T, p.Pro877Leu (NM_000109.4); c.2642C>T, p.Pro881Leu (NM_004009.3); c.2285C>T, p.Pro762Leu (NM_004010.3); short protein forms P877L, P881L, P762L, P885L.
Identifiers: ClinVar variation 1405195 (VCV001405195.8), dbSNP rs2042278940, ClinGen allele CA412671053.

ClinVar aggregate classification (germline): Uncertain significance. Review status: criteria provided, multiple submitters, no conflicts (2 of 4 stars). 3 submissions from 3 submitters: Uncertain significance (3). Last evaluated 2022-07-06.

Conditions:
Duchenne muscular dystrophy (DMD). Also called: MUSCULAR DYSTROPHY, PSEUDOHYPERTROPHIC PROGRESSIVE, DUCHENNE TYPE; Duchenne Muscular Dystrophy (DMD). Identifiers: Orphanet 98896, MedGen C0013264, MONDO:0010679, OMIM 310200.

Allele frequency attached by ClinVar (database versions not stated): gnomAD exomes below 0.00001.
gnomAD v4.1: 2 of 1,210,987 alleles (0.00017%); highest among the groups gnomAD compares: East Asian, 0.003%; no homozygotes.

Submissions (3):

Labcorp Genetics (formerly Invitae), Labcorp
Classification: Uncertain significance for Duchenne muscular dystrophy. Last evaluated: 2022-07-06. Review status: criteria provided, single submitter. Criteria: Invitae Variant Classification Sherloc (09022015). Collection method: clinical testing. Allele origin: germline.
Comment: This sequence change replaces proline, which is neutral and non-polar, with leucine, which is neutral and non-polar, at codon 885 of the DMD protein (p.Pro885Leu). This variant is not present in population databases (gnomAD no frequency). This variant has not been reported in the literature in individuals affected with DMD-related conditions. ClinVar contains an entry for this variant (Variation ID: 1405195). Algorithms developed to predict the effect of missense changes on protein structure and function are either unavailable or do not agree on the potential impact of this missense change (SIFT: "Deleterious"; PolyPhen-2: "Probably Damaging"; Align-GVGD: "Class C15"). In summary, the available evidence is currently insufficient to determine the role of this variant in disease. Therefore, it has been classified as a Variant of Uncertain Significance.

Blueprint Genetics
Classification: Uncertain significance. Last evaluated: 2022-02-07. Review status: criteria provided, single submitter. Criteria: ACMG Guidelines, 2015. Collection method: clinical testing. Allele origin: germline.

Revvity Omics, Revvity
Classification: Uncertain significance. Last evaluated: 2021-04-29. Review status: criteria provided, single submitter. Criteria: ACMG Guidelines, 2015. Collection method: clinical testing. Allele origin: germline.